The following is an entry in ClinVar:

NM_007194.4(CHEK2):c.99del (p.Gln34fs)

Gene: CHEK2 (checkpoint kinase 2; minus strand). Cytogenetic location: 22q12.1.
Variant type: Deletion.
Coding change: c.99del on transcript NM_007194.4 (MANE Select); coding-DNA position 99, one base deleted (A; older notation c.99delA).
Protein change: p.Gln34fs; shifts the reading frame from glutamine 34.
Molecular consequence: frameshift variant.
Genome position (GRCh38, 1-based): chr22:28,734,623, T deleted on the plus strand (A on the coding strand, the reverse complement: CHEK2 is on the minus strand). VCF-style (leftmost placement, unchanged base first): chr22-28734622-GT-G. GRCh37 (hg19) VCF-style: chr22-29130610-GT-G.
Other names: c.99delA (NM_007194.3); c.99delA, p.Gln34Serfs (NM_001005735.3, NM_001349956.3, NM_145862.3); c.-679delA (NM_001257387.3); short protein forms Q34fs.
Identifiers: ClinVar variation 2018558 (VCV002018558.5), dbSNP rs2518133517, ClinGen allele CA2580099453.

ClinVar aggregate classification (germline): Pathogenic. Review status: criteria provided, multiple submitters, no conflicts (2 of 4 stars). 2 submissions from 2 submitters: Pathogenic (2). Last evaluated 2026-07-15.

Conditions:
Familial cancer of breast. Also called: Hereditary breast cancer; BREAST CANCER, FAMILIAL; hereditary breast carcinoma. Identifiers: Orphanet 227535, MedGen C0346153, MONDO:0016419, OMIM 114480. Disease mechanism: loss of function.
Hereditary cancer-predisposing syndrome. Also called: Hereditary neoplastic syndrome; Neoplastic Syndromes, Hereditary; Tumor predisposition; Hereditary Cancer Syndrome. Identifiers: Orphanet 140162, MedGen C0027672, MeSH D009386, MONDO:0015356.

Submissions (2):

Ambry Genetics
Classification: Pathogenic for Hereditary cancer-predisposing syndrome. Last evaluated: 2026-07-15. Review status: criteria provided, single submitter. Criteria: Ambry Variant Classification Scheme 2023. Collection method: clinical testing. Allele origin: germline.
Comment: The c.99delA pathogenic mutation, located in coding exon 1 of the CHEK2 gene, results from a deletion of one nucleotide at nucleotide position 99, causing a translational frameshift with a predicted alternate stop codon (p.Q34Sfs*27). This variant is considered to be rare based on population cohorts in the Genome Aggregation Database (gnomAD). This alteration is expected to result in loss of function by premature protein truncation or nonsense-mediated mRNA decay. As such, this alteration is interpreted as a disease-causing mutation.

Labcorp Genetics (formerly Invitae), Labcorp
Classification: Pathogenic for Familial cancer of breast. Last evaluated: 2022-07-21. Review status: criteria provided, single submitter. Criteria: Invitae Variant Classification Sherloc (09022015). Collection method: clinical testing. Allele origin: germline.
Comment: For these reasons, this variant has been classified as Pathogenic. This variant has not been reported in the literature in individuals affected with CHEK2-related conditions. This variant is not present in population databases (gnomAD no frequency). This sequence change creates a premature translational stop signal (p.Gln34Serfs*27) in the CHEK2 gene. It is expected to result in an absent or disrupted protein product. Loss-of-function variants in CHEK2 are known to be pathogenic (PMID: 21876083, 24713400).

Literature cited by the submitters: PubMed 21876083 (cited by Labcorp Genetics (formerly Invitae), Labcorp); PubMed 24713400 (cited by Labcorp Genetics (formerly Invitae), Labcorp).